The following is an entry in ClinVar:

ClinVar aggregate classification (germline): Likely pathogenic (1 of 4 stars; one submission).

Conditions:
Branchiootorenal syndrome 1. Also called: Branchio-Oto-Renal Syndrome 1. Identifiers: Orphanet 107, MedGen C4551702, MONDO:0007236, OMIM 113650.

Submission:

Department of Clinical Genetics, Aarhus University Hospital
Classification: Likely pathogenic for Branchiootorenal syndrome 1. Review status: criteria provided, single submitter. Criteria: ACMG Guidelines, 2015. Collection method: clinical testing, in vitro. Allele origin: germline, not applicable. Affected: yes. Observed: 4 variant alleles. Clinical features observed: Hearing loss, Preauricular tags unilateral, Unilateral duplication of collecting system, Congenital right arcus aorta, small ASD, Congential aural atresiaunilateral. Functional consequence: cryptic_splice_donor.
Comment: This variant introduces a splice donor in intron 7 of EYA1 and is predicted by Splice AI to result in creation of a 117bp pseudo-exon. The variant segregates with disease in 4 individuals. The variant is not present in the gnomAD 4.0 database. Exon-trapping/minigene assays in HeLa cells confirmed Splice AI prediction and showed a complete effect (inclusion of 117bp long pseudo-exon). According to the ACMG guidelines, this variant is interpreted as likely pathogenic (PM2_supporting, PVS1_strong, PP4, PP1).

NM_000503.6(EYA1):c.556+2123C>T

Gene: EYA1 (EYA transcriptional coactivator and phosphatase 1; minus strand). Cytogenetic location: 8q13.3.
Variant type: single nucleotide variant.
Coding change: c.556+2123C>T on transcript NM_000503.6 (MANE Select); 2123 bases into the intron after coding-DNA position 556, C replaced by T.
Molecular consequence: intron variant.
Genome position (GRCh38, 1-based): chr8:71,315,429, G>A on the plus strand (C>T on the coding strand, the complement: EYA1 is on the minus strand). VCF-style: chr8-71315429-G-A. GRCh37 (hg19) VCF-style: chr8-72227664-G-A.
Other names: c.625+2123C>T (NM_001370336.1); c.643+2123C>T (NM_001370333.1); c.556+2123C>T (NM_001370335.1, NM_001370334.1, NM_172058.4); c.628+2123C>T (NM_172059.5); c.457+2123C>T (NM_001411797.1, NM_172060.4); c.190+2123C>T (NM_001288575.2); c.538+2123C>T (NM_001288574.2).
Identifiers: ClinVar variation 3897900 (VCV003897900.1).